The following is an entry in ClinVar:

ClinVar aggregate classification (germline): Likely benign (1 of 4 stars; one submission).

Allele frequency attached by ClinVar (database versions not stated): TOPMed 0.00012.
gnomAD v4.1: 262 of 1,614,052 alleles (0.016%); highest among the groups gnomAD compares: Non-Finnish European, 0.021%; no homozygotes.

Submission:

GeneDx
Classification: Likely benign. Last evaluated: 2018-01-23. Review status: criteria provided, single submitter. Criteria: GeneDx Variant Classification (06012015). Collection method: clinical testing. Allele origin: germline. Affected: yes.
Comment: This variant is considered likely benign or benign based on one or more of the following criteria: it is a conservative change, it occurs at a poorly conserved position in the protein, it is predicted to be benign by multiple in silico algorithms, and/or has population frequency not consistent with disease.

NM_001135022.2(ELMOD3):c.943+152C>T

Gene: ELMOD3 (ELMO domain containing 3; plus strand). Cytogenetic location: 2p11.2.
Variant type: single nucleotide variant.
Coding change: c.943+152C>T on transcript NM_001135022.2 (MANE Select); 152 bases into the intron after coding-DNA position 943, C replaced by T.
Molecular consequence: intron variant.
Genome position (GRCh38, 1-based): chr2:85,390,417, C>T. VCF-style: chr2-85390417-C-T. GRCh37 (hg19) VCF-style: chr2-85617540-C-T.
Other names: c.943+152C>T (NM_001329791.2, NM_001135021.2, NM_001135023.2 and 2 more transcripts).
Identifiers: ClinVar variation 514499 (VCV000514499.1), dbSNP rs73945728, ClinGen allele CA1740572.
Genomic context (GRCh38, chr2:85,390,417, plus strand): 5'-AGTTCTTCCCCATCCACACTTTCTCAAATTCCAGCTTACCAAAATCTCCATCACCCACCC[C>T]CTGGAGTCTGCTAGTTCTCCTTTCTCTGCCCTGACTGTCGCCCTTTTCTGGTCTTATACT-3'